The following is an entry in ClinVar:

ClinVar aggregate classification (germline): Uncertain significance (1 of 4 stars; one submission).

Conditions:
Familial temporal lobe epilepsy 7. Identifiers: Orphanet 101046, MedGen C4225327, MONDO:0014639, OMIM 616436.
Norman-Roberts syndrome (LIS2). Also called: Lissencephaly 2 (Norman-Roberts type). Identifiers: Orphanet 89844, MedGen C0796089, MONDO:0009760, OMIM 257320.

Allele frequency attached by ClinVar (database versions not stated): gnomAD exomes below 0.00001.

Submission:

Labcorp Genetics (formerly Invitae), Labcorp
Classification: Uncertain significance for Familial temporal lobe epilepsy 7; Norman-Roberts syndrome. Last evaluated: 2022-03-19. Review status: criteria provided, single submitter. Criteria: Invitae Variant Classification Sherloc (09022015). Collection method: clinical testing. Allele origin: germline.
Comment: This variant is not present in population databases (gnomAD no frequency). This variant has not been reported in the literature in individuals affected with RELN-related conditions. This sequence change replaces isoleucine, which is neutral and non-polar, with valine, which is neutral and non-polar, at codon 2612 of the RELN protein (p.Ile2612Val). ClinVar contains an entry for this variant (Variation ID: 1018852). Algorithms developed to predict the effect of missense changes on protein structure and function are either unavailable or do not agree on the potential impact of this missense change (SIFT: "Deleterious"; PolyPhen-2: "Benign"; Align-GVGD: "Class C0"). In summary, the available evidence is currently insufficient to determine the role of this variant in disease. Therefore, it has been classified as a Variant of Uncertain Significance.

NM_005045.4(RELN):c.7834A>G (p.Ile2612Val)

Gene: RELN (reelin; minus strand). Cytogenetic location: 7q22.1.
Variant type: single nucleotide variant.
Coding change: c.7834A>G on transcript NM_005045.4 (MANE Select); coding-DNA position 7834, A replaced by G.
Protein change: p.Ile2612Val; replaces isoleucine 2612 with valine.
Molecular consequence: missense variant.
Genome position (GRCh38, 1-based): chr7:103,519,351, T>C on the plus strand (A>G on the coding strand, the complement: RELN is on the minus strand). VCF-style: chr7-103519351-T-C. GRCh37 (hg19) VCF-style: chr7-103159798-T-C.
Other names: c.7834A>G, p.Ile2612Val (NM_173054.3); short protein forms I2612V.
Identifiers: ClinVar variation 1018852 (VCV001018852.8), dbSNP rs768772335, ClinGen allele CA368764712.
Genomic context (GRCh38, chr7:103,519,351, plus strand): 5'-ACTCGTTATTAGATATCAAATCGAATACAAACCCGGGCTTACTGTACTGGTCATAGAAAA[T>C]CTCCATGAGCAGGTTCCAGGTAATGCCTCCATTGACAGAATATTCCAAGAGAACACCTTG-3'
Protein context (NP_005036.2, residues 2602-2622): GGITWNLLME[Ile2612Val]FYDQYSKPGF